The following is an entry in ClinVar:

NM_138694.4(PKHD1):c.3936T>C (p.Asn1312=)

Gene: PKHD1 (PKHD1 ciliary IPT domain containing fibrocystin/polyductin; minus strand). Cytogenetic location: 6p12.2.
Variant type: single nucleotide variant.
Coding change: c.3936T>C on transcript NM_138694.4 (MANE Select); coding-DNA position 3936, T replaced by C.
Protein change: p.Asn1312=; no amino-acid change (asparagine 1312 retained).
Molecular consequence: synonymous variant.
Genome position (GRCh38, 1-based): chr6:52,025,874, A>G on the plus strand (T>C on the coding strand, the complement: PKHD1 is on the minus strand). VCF-style: chr6-52025874-A-G. GRCh37 (hg19) VCF-style: chr6-51890672-A-G.
Other names: c.3936T>C, p.Asn1312= (NM_170724.3).
Identifiers: ClinVar variation 793290 (VCV000793290.16), dbSNP rs757243486, ClinGen allele CA3852810.
Genomic context (GRCh38, chr6:52,025,874, plus strand): 5'-CCCCAGAAGGATGACTGAGTTGGAGAGGTTACTTCCTCCCACATGCAGGCTCAGGCTGCT[A>G]TTTGTGATTTCTCCTTGCATGGCAGTGACTACTGGTGTTGCTGCCGCTTCATACATGAAG-3'
Protein context (NP_619639.3, residues 1302-1322): VVTAMQGEIT[Asn1312=]SSLSLHVGGS

ClinVar aggregate classification (germline): Likely benign. Review status: criteria provided, multiple submitters, no conflicts (2 of 4 stars). 4 submissions from 4 submitters: Likely benign (3). 1 of the submissions does not count toward it. Last evaluated 2026-08-20.

Conditions:
PKHD1-related disorder. Also called: PKHD1-related condition.
Autosomal recessive polycystic kidney disease (ARPKD). Also called: AR polycystic kidney disease. Identifiers: Orphanet 731, Orphanet 8378, MedGen C0085548, MeSH D017044, MONDO:0009889.

Allele frequency attached by ClinVar (database versions not stated): gnomAD below 0.00001; ExAC 0.00003; gnomAD exomes 0.00003.
gnomAD v4.1: 23 of 1,614,056 alleles (0.0014%); highest among the groups gnomAD compares: South Asian, 0.02%; no homozygotes.

Submissions (4):

PreventionGenetics, part of Exact Sciences
Classification: Likely benign for PKHD1-related condition. Last evaluated: 2026-08-20. Review status: criteria provided, single submitter. Criteria: ACMG Guidelines, 2015. Collection method: clinical testing. Allele origin: germline.
Comment: This variant is classified as likely benign based on ACMG/AMP sequence variant interpretation guidelines (Richards et al. 2015 PMID: 25741868, with internal and published modifications).

Labcorp Genetics (formerly Invitae), Labcorp
Classification: Likely benign for Autosomal recessive polycystic kidney disease. Last evaluated: 2024-11-13. Review status: criteria provided, single submitter. Criteria: Invitae Variant Classification Sherloc (09022015). Collection method: clinical testing. Allele origin: germline.

Blueprint Genetics
Classification: Likely benign. Last evaluated: 2024-03-25. Review status: criteria provided, single submitter. Criteria: ACMG Guidelines, 2015. Collection method: clinical testing. Allele origin: germline.

Natera, Inc.
Classification: Likely benign for Autosomal recessive polycystic kidney disease. Last evaluated: 2021-05-10. Review status: no assertion criteria provided. Collection method: clinical testing. Allele origin: germline. Not counted in ClinVar's aggregate classification.